The following is an entry in ClinVar:

NM_001128425.2(MUTYH):c.41T>A (p.Ile14Asn)

Gene: MUTYH (mutY DNA glycosylase; minus strand). Cytogenetic location: 1p34.1.
Variant type: single nucleotide variant.
Coding change: c.41T>A on transcript NM_001128425.2 (MANE Plus Clinical); coding-DNA position 41, T replaced by A.
Protein change: p.Ile14Asn; replaces isoleucine 14 with asparagine.
Molecular consequence: missense variant. On other transcripts: 5 prime UTR variant (26), non-coding transcript variant (7).
Genome position (GRCh38, 1-based): chr1:45,334,507, A>T on the plus strand (T>A on the coding strand, the complement: MUTYH is on the minus strand). VCF-style: chr1-45334507-A-T. GRCh37 (hg19) VCF-style: chr1-45800179-A-T.
Other names: c.-2T>A (NM_001048171.2, NM_001048172.2, NM_001048173.2 and 16 more transcripts); c.41T>A, p.Ile14Asn (NM_001293190.2, NM_001407069.1, NM_001407073.1 and 1 more transcripts); c.-214T>A (NM_001293192.2, NM_001293196.2, NM_001407091.1); c.-273T>A (NM_001350650.2); c.-209T>A (NM_001350651.2, NM_001407082.1); c.-158T>A (NM_001407075.1); c.17T>A, p.Ile6Asn (NM_001407087.1); short protein forms I6N, I14N.
Identifiers: ClinVar variation 4708111 (VCV004708111.1).

ClinVar aggregate classification (germline): Uncertain significance (1 of 4 stars; one submission).

Conditions:
Familial adenomatous polyposis 2. Also called: FAP type 2; COLORECTAL ADENOMATOUS POLYPOSIS, AUTOSOMAL RECESSIVE; ADENOMAS, MULTIPLE COLORECTAL, AUTOSOMAL RECESSIVE; MYH-associated polyposis; MUTYH Polyposis; Adenomas, multiple colorectal. Identifiers: Orphanet 220460, Orphanet 247798, MedGen C3272841, MONDO:0012041, OMIM 608456.

Submission:

Labcorp Genetics (formerly Invitae), Labcorp
Classification: Uncertain significance for Familial adenomatous polyposis 2. Last evaluated: 2026-01-01. Review status: criteria provided, single submitter. Criteria: Invitae Variant Classification Sherloc (09022015). Collection method: clinical testing. Allele origin: germline.
Comment: This sequence change replaces isoleucine, which is neutral and non-polar, with asparagine, which is neutral and polar, at codon 14 of the MUTYH protein (p.Ile14Asn). This variant is present in population databases (rs758220894, gnomAD 0.003%). This variant has not been reported in the literature in individuals affected with MUTYH-related conditions. An algorithm developed to predict the effect of missense changes on protein structure and function (PolyPhen-2) suggests that this variant is likely to be tolerated. In summary, the available evidence is currently insufficient to determine the role of this variant in disease. Therefore, it has been classified as a Variant of Uncertain Significance.